The following is an entry in ClinVar:

ClinVar aggregate classification (germline): Uncertain significance (1 of 4 stars; one submission).

Conditions:
Granulomatous disease, chronic, X-linked. Also called: CYTOCHROME b-NEGATIVE GRANULOMATOUS DISEASE, CHRONIC, X-LINKED; GRANULOMATOUS DISEASE, CHRONIC, X-LINKED, SOMATIC MOSAIC. Identifiers: Orphanet 379, MedGen C1844376, MONDO:0010600, OMIM 306400.

Submission:

Labcorp Genetics (formerly Invitae), Labcorp
Classification: Uncertain significance for Granulomatous disease, chronic, X-linked. Last evaluated: 2022-07-25. Review status: criteria provided, single submitter. Criteria: Invitae Variant Classification Sherloc (09022015). Collection method: clinical testing. Allele origin: germline.
Comment: This sequence change replaces asparagine, which is neutral and polar, with serine, which is neutral and polar, at codon 469 of the CYBB protein (p.Asn469Ser). This variant is not present in population databases (gnomAD no frequency). This variant has not been reported in the literature in individuals affected with CYBB-related conditions. ClinVar contains an entry for this variant (Variation ID: 1408053). Advanced modeling of protein sequence and biophysical properties (such as structural, functional, and spatial information, amino acid conservation, physicochemical variation, residue mobility, and thermodynamic stability) performed at Invitae indicates that this missense variant is not expected to disrupt CYBB protein function. In summary, the available evidence is currently insufficient to determine the role of this variant in disease. Therefore, it has been classified as a Variant of Uncertain Significance.

NM_000397.4(CYBB):c.1406A>G (p.Asn469Ser)

Gene: CYBB (cytochrome b-245 beta chain; plus strand). Cytogenetic location: Xp11.4.
Variant type: single nucleotide variant.
Coding change: c.1406A>G on transcript NM_000397.4 (MANE Select); coding-DNA position 1406, A replaced by G.
Protein change: p.Asn469Ser; replaces asparagine 469 with serine.
Molecular consequence: missense variant.
Genome position (GRCh38, 1-based): chrX:37,806,478, A>G. VCF-style: chrX-37806478-A-G. GRCh37 (hg19) VCF-style: chrX-37665731-A-G.
Other names: short protein forms N469S.
Identifiers: ClinVar variation 1408053 (VCV001408053.5), dbSNP rs1556471672, ClinGen allele CA412978187.